The following is an entry in ClinVar:

ClinVar aggregate classification (germline): Pathogenic (1 of 4 stars; one submission).

Conditions:
Peroxisome biogenesis disorder. Identifiers: Orphanet 79189, MedGen C1832200, MONDO:0019234. Disease mechanism: loss of function.

Submission:

Labcorp Genetics (formerly Invitae), Labcorp
Classification: Pathogenic for Peroxisome biogenesis disorder. Last evaluated: 2024-10-16. Review status: criteria provided, single submitter. Criteria: Invitae Variant Classification Sherloc (09022015). Collection method: clinical testing. Allele origin: germline.
Comment: This sequence change creates a premature translational stop signal (p.Lys386*) in the PEX6 gene. It is expected to result in an absent or disrupted protein product. Loss-of-function variants in PEX6 are known to be pathogenic (PMID: 10408779, 21031596, 31831025). This variant is not present in population databases (gnomAD no frequency). This variant has not been reported in the literature in individuals affected with PEX6-related conditions. ClinVar contains an entry for this variant (Variation ID: 1424285). Algorithms developed to predict the effect of sequence changes on RNA splicing suggest that this variant may disrupt the consensus splice site. For these reasons, this variant has been classified as Pathogenic.

Literature cited by the submitters: PubMed 10408779; PubMed 21031596; PubMed 31831025.

NM_000287.4(PEX6):c.1156A>T (p.Lys386Ter)

Gene: PEX6 (peroxisomal biogenesis factor 6; minus strand). Cytogenetic location: 6p21.1.
Variant type: single nucleotide variant.
Coding change: c.1156A>T on transcript NM_000287.4 (MANE Select); coding-DNA position 1156, A replaced by T.
Protein change: p.Lys386Ter; replaces lysine 386 with a stop codon.
Molecular consequence: nonsense. On other transcripts: non-coding transcript variant (1).
Genome position (GRCh38, 1-based): chr6:42,969,962, T>A on the plus strand (A>T on the coding strand, the complement: PEX6 is on the minus strand). VCF-style: chr6-42969962-T-A. GRCh37 (hg19) VCF-style: chr6-42937700-T-A.
Other names: c.892A>T, p.Lys298Ter (NM_001316313.2); short protein forms K298*, K386*.
Identifiers: ClinVar variation 1424285 (VCV001424285.6), dbSNP rs2114248288, ClinGen allele CA364156230.
Genomic context (GRCh38, chr6:42,969,962, plus strand): 5'-GGGTGGTGTCGGCCAAGTAGGCACTGGCTGGTCCATCTGGAGCTTCCCCAACTGTTTTCT[T>A]CACTTTAAAAAACATTTCCCGCCACCTGCAGGAAAAAGGCCCAATGAACCCCAGATCCAG-3'